The following is an entry in ClinVar:

NC_000015.9:g.(?_93514985)_(93518190_?)del

Gene: CHD2 (chromodomain helicase DNA binding protein 2; plus strand). Cytogenetic location: 15q26.1.
Variant type: Deletion.
Identifiers: ClinVar variation 1069342 (VCV001069342.7).

ClinVar aggregate classification (germline): Pathogenic (1 of 4 stars; one submission).

Conditions:
Developmental and epileptic encephalopathy 94 (DEE94). Also called: Epileptic encephalopathy, childhood-onset; CHD2-Related Neurodevelopmental Disorders. Identifiers: Orphanet 1942, Orphanet 2382, MedGen C3809278, MONDO:0014150, OMIM 615369.

Submission:

Labcorp Genetics (formerly Invitae), Labcorp
Classification: Pathogenic for Developmental and epileptic encephalopathy 94. Last evaluated: 2020-08-02. Review status: criteria provided, single submitter. Criteria: Invitae Variant Classification Sherloc (09022015). Collection method: clinical testing. Allele origin: germline.
Comment: For these reasons, this variant has been classified as Pathogenic. Loss-of-function variants in CHD2 are known to be pathogenic (PMID: 23708187, 24207121). This variant has not been reported in the literature in individuals with CHD2-related conditions. This variant is an out-of-frame deletion of the genomic region encompassing exon(s) 18-20 of the CHD2 gene. This is expected to create a premature translational stop signal and result in an absent or disrupted protein product.

Literature cited by the submitters: PubMed 23708187; PubMed 24207121.